The following is an entry in ClinVar:

ClinVar aggregate classification (germline): Benign/Likely benign. Review status: criteria provided, multiple submitters, no conflicts (2 of 4 stars). 6 submissions from 6 submitters: Benign (2); Likely benign (4). Last evaluated 2026-08-28.

Conditions:
SDHA-related disorder. Also called: SDHA-related condition; SDHA-related disorders.
Mitochondrial complex II deficiency, nuclear type 1. Also called: SUCCINATE CoQ REDUCTASE DEFICIENCY. Identifiers: Orphanet 3208, MedGen C5700310, MONDO:0100294, OMIM 252011.
Pheochromocytoma/paraganglioma syndrome 5. Also called: Paragangliomas 5; SDHA-Related Hereditary Paraganglioma-Pheochromocytoma Syndrome. Identifiers: Orphanet 29072, MedGen C3279992, MONDO:0013602, OMIM 614165.
Hereditary cancer-predisposing syndrome. Also called: Tumor predisposition; Hereditary neoplastic syndrome; Hereditary Cancer Syndrome; Neoplastic Syndromes, Hereditary. Identifiers: Orphanet 140162, MedGen C0027672, MeSH D009386, MONDO:0015356.

Allele frequency attached by ClinVar (database versions not stated): TOPMed 0.00003; ExAC 0.00004; gnomAD 0.00004; gnomAD exomes 0.00007.
gnomAD v4.1: 49 of 1,613,540 alleles (0.003%); highest among the groups gnomAD compares: East Asian, 0.022%; no homozygotes.

Submissions (6):

PreventionGenetics, part of Exact Sciences
Classification: Likely benign for SDHA-related condition. Last evaluated: 2026-08-28. Review status: criteria provided, single submitter. Criteria: ACMG Guidelines, 2015. Collection method: clinical testing. Allele origin: germline.
Comment: This variant is classified as likely benign based on ACMG/AMP sequence variant interpretation guidelines (Richards et al. 2015 PMID: 25741868, with internal and published modifications).

Labcorp Genetics (formerly Invitae), Labcorp
Classification: Likely benign for Pheochromocytoma/paraganglioma syndrome 5; Mitochondrial complex II deficiency, nuclear type 1. Last evaluated: 2026-01-27. Review status: criteria provided, single submitter. Criteria: Invitae Variant Classification Sherloc (09022015). Collection method: clinical testing. Allele origin: germline.

Quest Diagnostics Nichols Institute San Juan Capistrano
Classification: Benign. Last evaluated: 2025-08-13. Review status: criteria provided, single submitter. Criteria: Quest Diagnostics criteria. Collection method: clinical testing. Allele origin: unknown.

Myriad Genetics, Inc.
Classification: Benign for Pheochromocytoma/paraganglioma syndrome 5. Last evaluated: 2025-02-28. Review status: criteria provided, single submitter. Criteria: Myriad Autosomal Dominant, Autosomal Recessive and X-Linked Classification Criteria (2023). Collection method: clinical testing. Allele origin: unknown.
Comment: This variant is considered benign. This variant is a silent/synonymous amino acid change and it is not expected to impact splicing.

CeGaT Center for Human Genetics Tuebingen
Classification: Likely benign. Last evaluated: 2022-11-01. Review status: criteria provided, single submitter. Criteria: CeGaT Center For Human Genetics Tuebingen Variant Classification Criteria Version 2. Collection method: clinical testing. Allele origin: germline. Affected: yes. Observed: 1 variant allele.
Comment: SDHA: BP4, BP7

Ambry Genetics
Classification: Likely benign for Hereditary cancer-predisposing syndrome. Last evaluated: 2015-08-24. Review status: criteria provided, single submitter. Criteria: Ambry Variant Classification Scheme 2023. Collection method: clinical testing. Allele origin: germline.

NM_004168.4(SDHA):c.372C>T (p.Tyr124=)

Gene: SDHA (succinate dehydrogenase complex flavoprotein subunit A; plus strand). Cytogenetic location: 5p15.33.
Variant type: single nucleotide variant.
Coding change: c.372C>T on transcript NM_004168.4 (MANE Select); coding-DNA position 372, C replaced by T.
Protein change: p.Tyr124=; no amino-acid change (tyrosine 124 retained).
Molecular consequence: synonymous variant. On other transcripts: intron variant (1).
Genome position (GRCh38, 1-based): chr5:225,478, C>T. VCF-style: chr5-225478-C-T. GRCh37 (hg19) VCF-style: chr5-225593-C-T.
Other names: c.372C>T, p.Tyr124= (NM_001330758.2); c.313-405C>T (NM_001294332.2).
Identifiers: ClinVar variation 417233 (VCV000417233.42), dbSNP rs754393360, ClinGen allele CA3172803.